The following is an entry in ClinVar:

NM_001077446.4(TSEN34):c.699C>T (p.Phe233=)

Gene: TSEN34 (tRNA splicing endonuclease subunit 34; plus strand). Cytogenetic location: 19q13.42.
Variant type: single nucleotide variant.
Coding change: c.699C>T on transcript NM_001077446.4 (MANE Select); coding-DNA position 699, C replaced by T.
Protein change: p.Phe233=; no amino-acid change (phenylalanine 233 retained).
Molecular consequence: synonymous variant.
Genome position (GRCh38, 1-based): chr19:54,192,327, C>T. VCF-style: chr19-54192327-C-T. GRCh37 (hg19) VCF-style: chr19-54696178-C-T.
Other names: c.699C>T, p.Phe233= (NM_001282332.2, NM_001282333.2, NM_001386740.1 and 1 more transcripts).
Identifiers: ClinVar variation 390239 (VCV000390239.4), dbSNP rs969895008, ClinGen allele CA309375038.

ClinVar aggregate classification (germline): Likely benign. Review status: criteria provided, multiple submitters, no conflicts (2 of 4 stars). 2 submissions from 2 submitters: Likely benign (2). Last evaluated 2026-01-14.

Allele frequency attached by ClinVar (database versions not stated): gnomAD exomes 0.00002; gnomAD 0.00003; TOPMed 0.00010.
gnomAD v4.1: 28 of 1,614,056 alleles (0.0017%); highest among the groups gnomAD compares: Admixed American, 0.012%; no homozygotes.

Submissions (2):

Labcorp Genetics (formerly Invitae), Labcorp
Classification: Likely benign. Last evaluated: 2026-01-14. Review status: criteria provided, single submitter. Criteria: Invitae Variant Classification Sherloc (09022015). Collection method: clinical testing. Allele origin: germline.

GeneDx
Classification: Likely benign. Last evaluated: 2016-10-27. Review status: criteria provided, single submitter. Criteria: GeneDx Variant Classification (06012015). Collection method: clinical testing. Allele origin: germline. Affected: yes.
Comment: This variant is considered likely benign or benign based on one or more of the following criteria: it is a conservative change, it occurs at a poorly conserved position in the protein, it is predicted to be benign by multiple in silico algorithms, and/or has population frequency not consistent with disease.